The following is an entry in ClinVar:

ClinVar aggregate classification (germline): Uncertain significance (1 of 4 stars; one submission).

Conditions:
Neurofibromatosis, type 1 (NF1). Also called: VON RECKLINGHAUSEN DISEASE; Neurofibromatosis, type I; NEUROFIBROMATOSIS, TYPE I, SOMATIC; Peripheral type neurofibromatosis. Identifiers: Orphanet 636, MedGen C0027831, MONDO:0018975, OMIM 162200. Disease mechanism: loss of function.

Submission:

Johns Hopkins Genomics, Johns Hopkins University
Classification: Uncertain significance for Neurofibromatosis, type 1. Last evaluated: 2024-09-25. Review status: criteria provided, single submitter. Criteria: ACMG Guidelines, 2015. Collection method: clinical testing. Allele origin: germline.
Comment: This NOTCH1 missense variant is absent from a large population dataset and has not been reported in ClinVar, nor the literature, to our knowledge. Of two bioinformatics tools queried, one predicts that the substitution would be damaging, while the other predicts that it would be tolerated, and the leucine residue at this position is evolutionarily conserved across many of the species assessed. We consider the clinical significance of c.2800C>G in NOTCH1 to be uncertain at this time.

NM_017617.5(NOTCH1):c.2800C>G (p.Leu934Val)

Gene: NOTCH1 (notch receptor 1; minus strand). Cytogenetic location: 9q34.3.
Variant type: single nucleotide variant.
Coding change: c.2800C>G on transcript NM_017617.5 (MANE Select); coding-DNA position 2800, C replaced by G.
Protein change: p.Leu934Val; replaces leucine 934 with valine.
Molecular consequence: missense variant.
Genome position (GRCh38, 1-based): chr9:136,509,902, G>C on the plus strand (C>G on the coding strand, the complement: NOTCH1 is on the minus strand). VCF-style: chr9-136509902-G-C. GRCh37 (hg19) VCF-style: chr9-139404354-G-C.
Other names: short protein forms L934V.
Identifiers: ClinVar variation 4280125 (VCV004280125.1).